The following is an entry in ClinVar:

ClinVar aggregate classification (germline): Likely pathogenic (1 of 4 stars; one submission).

Submission:

Labcorp Genetics (formerly Invitae), Labcorp
Classification: Likely pathogenic. Last evaluated: 2019-10-18. Review status: criteria provided, single submitter. Criteria: Invitae Variant Classification Sherloc (09022015). Collection method: clinical testing. Allele origin: germline.
Comment: This sequence change affects an acceptor splice site in intron 51 of the COL7A1 gene. It is expected to disrupt RNA splicing and likely results in an absent or disrupted protein product. This variant is not present in population databases (ExAC no frequency). This variant has not been reported in the literature in individuals with COL7A1-related conditions. Algorithms developed to predict the effect of sequence changes on RNA splicing suggest that this variant may disrupt the consensus splice site, but this prediction has not been confirmed by published transcriptional studies. Donor and acceptor splice site variants typically lead to a loss of protein function (PMID: 16199547), and loss-of-function variants in COL7A1 are known to be pathogenic (PMID: 16971478). In summary, the currently available evidence indicates that the variant is pathogenic, but additional data are needed to prove that conclusively. Therefore, this variant has been classified as Likely Pathogenic.

Literature cited by the submitters: PubMed 16199547; PubMed 16971478.

NM_000094.4(COL7A1):c.4900-2A>G

Gene: COL7A1 (collagen type VII alpha 1 chain; minus strand). Cytogenetic location: 3p21.31.
Variant type: single nucleotide variant.
Coding change: c.4900-2A>G on transcript NM_000094.4 (MANE Select); the canonical splice acceptor site of the intron before coding-DNA position 4900, A replaced by G.
Molecular consequence: splice acceptor variant.
Genome position (GRCh38, 1-based): chr3:48,581,159, T>C on the plus strand (A>G on the coding strand, the complement: COL7A1 is on the minus strand). VCF-style: chr3-48581159-T-C. GRCh37 (hg19) VCF-style: chr3-48618592-T-C.
Identifiers: ClinVar variation 964780 (VCV000964780.4), dbSNP rs1431252268, ClinGen allele CA352682693.